The following is an entry in ClinVar:

NM_004360.5(CDH1):c.464_467dup (p.Trp156Ter)

Gene: CDH1 (cadherin 1; plus strand). Cytogenetic location: 16q22.1.
Variant type: Duplication.
Coding change: c.464_467dup on transcript NM_004360.5 (MANE Select); coding-DNA positions 464 to 467, 4 bases duplicated (ACTG; older notation c.464_467dupACTG).
Protein change: p.Trp156Ter; replaces tryptophan 156 with a stop codon.
Molecular consequence: nonsense. On other transcripts: 5 prime UTR variant (2).
Genome position (GRCh38, 1-based): chr16:68,808,500-68,808,503, ACTG duplicated; duplicating any 4 consecutive bases within chr16:68,808,499-68,808,503 gives the same sequence; the c. name uses the placement nearest the transcript's 3' end. VCF-style (leftmost placement, unchanged base first): chr16-68808498-A-AGACT. GRCh37 (hg19) VCF-style: chr16-68842401-A-AGACT.
Other names: c.464_467dup, p.Trp156Ter (NM_001317184.2); c.-1152_-1149dup (NM_001317185.2); c.-1356_-1353dup (NM_001317186.2); short protein forms W156*.
Identifiers: ClinVar variation 2583612 (VCV002583612.2), dbSNP rs2543914713, ClinGen allele CA2582342567.
Genomic context (GRCh38, chr16:68,808,498, plus strand): 5'-AATCCAAGCAGAATTGCTCACATTTCCCAACTCCTCTCCTGGCCTCAGAAGACAGAAGAG[A>AGACT]GACTGGGTTATTCCTCCCATCAGCTGCCCAGAAAATGAAAAAGGCCCATTTCCTAAAAAC-3'

ClinVar aggregate classification (germline): Pathogenic (1 of 4 stars; one submission).

Conditions:
Hereditary diffuse gastric adenocarcinoma (HDGC). Also called: DIFFUSE GASTRIC AND LOBULAR BREAST CANCER SYNDROME. Identifiers: Orphanet 26106, MedGen C1708349, MONDO:0007648, OMIM 137215.

Submission:

Myriad Genetics, Inc.
Classification: Pathogenic for Hereditary diffuse gastric adenocarcinoma. Last evaluated: 2023-06-09. Review status: criteria provided, single submitter. Criteria: Myriad Autosomal Dominant, Autosomal Recessive and X-Linked Classification Criteria (2023). Collection method: clinical testing. Allele origin: unknown.
Comment: This variant is considered pathogenic. This variant creates a termination codon and is predicted to result in premature protein truncation.